The following is an entry in ClinVar:

ClinVar aggregate classification (germline): Uncertain significance (1 of 4 stars; one submission).

Conditions:
T-cell immunodeficiency, congenital alopecia, and nail dystrophy. Also called: Congenital alopecia and nail dystrophy associated with severe functional T-cell immunodeficiency; Pignata Guarino syndrome. Identifiers: Orphanet 169095, MedGen C1866426, MONDO:0011132, OMIM 601705.

Allele frequency attached by ClinVar (database versions not stated): gnomAD 0.00001; TOPMed 0.00002.

Submission:

Labcorp Genetics (formerly Invitae), Labcorp
Classification: Uncertain significance for T-cell immunodeficiency, congenital alopecia, and nail dystrophy. Last evaluated: 2025-05-09. Review status: criteria provided, single submitter. Criteria: Invitae Variant Classification Sherloc (09022015). Collection method: clinical testing. Allele origin: germline.
Comment: This sequence change replaces proline, which is neutral and non-polar, with leucine, which is neutral and non-polar, at codon 627 of the FOXN1 protein (p.Pro627Leu). This variant is not present in population databases (gnomAD no frequency). This variant has not been reported in the literature in individuals affected with FOXN1-related conditions. ClinVar contains an entry for this variant (Variation ID: 1990604). Invitae Evidence Modeling of protein sequence and biophysical properties (such as structural, functional, and spatial information, amino acid conservation, physicochemical variation, residue mobility, and thermodynamic stability) indicates that this missense variant is not expected to disrupt FOXN1 protein function with a negative predictive value of 80%. In summary, the available evidence is currently insufficient to determine the role of this variant in disease. Therefore, it has been classified as a Variant of Uncertain Significance.

NM_001369369.1(FOXN1):c.1880C>T (p.Pro627Leu)

Gene: FOXN1 (forkhead box N1; plus strand). Cytogenetic location: 17q11.2.
Variant type: single nucleotide variant.
Coding change: c.1880C>T on transcript NM_001369369.1 (MANE Select); coding-DNA position 1880, C replaced by T.
Protein change: p.Pro627Leu; replaces proline 627 with leucine.
Molecular consequence: missense variant.
Genome position (GRCh38, 1-based): chr17:28,537,369, C>T. VCF-style: chr17-28537369-C-T. GRCh37 (hg19) VCF-style: chr17-26864387-C-T.
Other names: c.1880C>T, p.Pro627Leu (NM_003593.3); short protein forms P627L.
Identifiers: ClinVar variation 1990604 (VCV001990604.2), dbSNP rs759568205, ClinGen allele CA398328627.